The following is an entry in ClinVar:

ClinVar aggregate classification (germline): Conflicting classifications of pathogenicity. Review status: criteria provided, conflicting classifications (1 of 4 stars). 7 submissions from 7 submitters: Uncertain significance (5); Likely benign (2). Last evaluated 2026-01-24.

Conditions:
Muscular dystrophy, limb-girdle, autosomal recessive 23. Identifiers: Orphanet 565837, MedGen C4748327, MONDO:0029136, OMIM 618138.
Merosin deficient congenital muscular dystrophy (MDC1A). Also called: Congenital Muscular Dystrophy Type 1A (MDC1A); Congenital merosin-deficient muscular dystrophy 1A. Identifiers: Orphanet 258, MedGen C1263858, MONDO:0011925, OMIM 607855.
LAMA2-related muscular dystrophy (LAMA2-RD). Also called: Laminin alpha 2-related dystrophy. Identifiers: MedGen C5679788, MONDO:0100228.
Primary dilated cardiomyopathy (DCM). Also called: Dilated Cardiomyopathy. Identifiers: Orphanet 217604, MedGen C0007193, MeSH D002311, MONDO:0005021, HP:0001644. Inheritance: Various modes of inheritance.

Allele frequency attached by ClinVar (database versions not stated): gnomAD 0.00011 and 0.00012; TOPMed 0.00025; 1000 Genomes Project 0.00060; 1000 Genomes Project 30x 0.00062.
gnomAD v4.1: 120 of 1,614,098 alleles (0.0074%); highest among the groups gnomAD compares: East Asian, 0.2%; no homozygotes.

Submissions (7):

Labcorp Genetics (formerly Invitae), Labcorp
Classification: Likely benign for LAMA2-related muscular dystrophy. Last evaluated: 2026-01-24. Review status: criteria provided, single submitter. Criteria: Invitae Variant Classification Sherloc (09022015). Collection method: clinical testing. Allele origin: germline.

Women's Health and Genetics/Laboratory Corporation of America, LabCorp
Classification: Likely benign. Last evaluated: 2025-12-26. Review status: criteria provided, single submitter. Criteria: LabCorp Variant Classification Summary - May 2015. Collection method: clinical testing. Allele origin: germline.
Comment: Variant summary: LAMA2 c.8842G>A (p.Gly2948Ser) results in a non-conservative amino acid change in the encoded protein sequence. Algorithms developed to predict the effect of missense changes on protein structure and function are either unavailable or do not agree on the potential impact of this missense change. The variant allele was found at a frequency of 0.00035 in 251350 control chromosomes, predominantly at a frequency of 0.0045 within the East Asian subpopulation in the gnomAD database. The observed variant frequency within East Asian control individuals in the gnomAD database exceeds the estimated maximal expected allele frequency for disease-causing variants in LAMA2. c.8842G>A has been observed in at least one individual affected with arrhythmogenic right ventricular cardiomyopathy (Wang_2022). These report(s) do not provide unequivocal conclusions about association of the variant with Merosin deficient congenital muscular dystrophy. To our knowledge, no experimental evidence demonstrating an impact on protein function has been reported. The following publications have been ascertained in the context of this evaluation (PMID: 34137518, 35924034). ClinVar contains an entry for this variant (Variation ID: 432055). Based on the evidence outlined above, the variant was classified as likely benign.

Revvity Omics, Revvity
Classification: Uncertain significance. Last evaluated: 2024-07-15. Review status: criteria provided, single submitter. Criteria: ACMG Guidelines, 2015. Collection method: clinical testing. Allele origin: germline.

GeneDx
Classification: Uncertain significance. Last evaluated: 2020-01-22. Review status: criteria provided, single submitter. Criteria: GeneDx Variant Classification Process June 2021. Collection method: clinical testing. Allele origin: germline. Affected: yes.
Comment: Has not been previously published as pathogenic or benign to our knowledge; In silico analysis, which includes protein predictors and evolutionary conservation, supports a deleterious effect

Fulgent Genetics
Classification: Uncertain significance for Merosin deficient congenital muscular dystrophy; Muscular dystrophy, limb-girdle, autosomal recessive 23. Last evaluated: 2018-10-31. Review status: criteria provided, single submitter. Criteria: ACMG Guidelines, 2015. Collection method: clinical testing. Allele origin: unknown.

Eurofins Ntd Llc (ga)
Classification: Uncertain significance. Last evaluated: 2017-04-19. Review status: criteria provided, single submitter. Criteria: EGL Classification Definitions 2015. Collection method: clinical testing. Allele origin: germline. Observed: 2 variant alleles, 2 heterozygotes.

Genetics and Genomics Program, Sidra Medicine
Classification: Uncertain significance for Primary dilated cardiomyopathy. Review status: criteria provided, single submitter. Criteria: ACMG Guidelines, 2015. Collection method: research. Allele origin: unknown. Affected: yes. Observed: 1 variant allele.

Literature cited by the submitters: PubMed 34137518 (cited by Women's Health and Genetics/Laboratory Corporation of America, LabCorp); PubMed 35924034 (cited by Women's Health and Genetics/Laboratory Corporation of America, LabCorp).

NM_000426.4(LAMA2):c.8842G>A (p.Gly2948Ser)

Gene: LAMA2 (laminin subunit alpha 2; plus strand). Cytogenetic location: 6q22.33.
Variant type: single nucleotide variant.
Coding change: c.8842G>A on transcript NM_000426.4 (MANE Select); coding-DNA position 8842, G replaced by A.
Protein change: p.Gly2948Ser; replaces glycine 2948 with serine.
Molecular consequence: missense variant.
Genome position (GRCh38, 1-based): chr6:129,507,627, G>A. VCF-style: chr6-129507627-G-A. GRCh37 (hg19) VCF-style: chr6-129828772-G-A.
Other names: c.8830G>A, p.Gly2944Ser (NM_001079823.2); short protein forms G2948S, G2944S.
Identifiers: ClinVar variation 432055 (VCV000432055.30), dbSNP rs143638361, ClinGen allele CA3994930.